The following is an entry in ClinVar:

NM_001172509.2(SATB2):c.180T>A (p.Ile60=)

Gene: SATB2 (SATB homeobox 2; minus strand). Cytogenetic location: 2q33.1.
Variant type: single nucleotide variant.
Coding change: c.180T>A on transcript NM_001172509.2 (MANE Select); coding-DNA position 180, T replaced by A.
Protein change: p.Ile60=; no amino-acid change (isoleucine 60 retained).
Molecular consequence: synonymous variant. On other transcripts: non-coding transcript variant (1).
Genome position (GRCh38, 1-based): chr2:199,433,504, A>T on the plus strand (T>A on the coding strand, the complement: SATB2 is on the minus strand). VCF-style: chr2-199433504-A-T. GRCh37 (hg19) VCF-style: chr2-200298227-A-T.
Other names: c.180T>A, p.Ile60= (NM_001172517.1, NM_015265.4).
Identifiers: ClinVar variation 4997670 (VCV004997670.1).

ClinVar aggregate classification (germline): Likely benign (1 of 4 stars; one submission).

Conditions:
SATB2-related disorder. Also called: SATB2-related condition.

Submission:

PreventionGenetics, part of Exact Sciences
Classification: Likely benign for SATB2-related condition. Last evaluated: 2025-06-16. Review status: criteria provided, single submitter. Criteria: ACMG Guidelines, 2015. Collection method: clinical testing. Allele origin: germline.
Comment: This variant is classified as likely benign based on ACMG/AMP sequence variant interpretation guidelines (Richards et al. 2015 PMID: 25741868, with internal and published modifications).